The following is an entry in ClinVar:

NM_001039141.3(TRIOBP):c.3954C>T (p.Ser1318=)

Gene: TRIOBP (TRIO and F-actin binding protein; plus strand). Cytogenetic location: 22q13.1.
Variant type: single nucleotide variant.
Coding change: c.3954C>T on transcript NM_001039141.3 (MANE Select); coding-DNA position 3954, C replaced by T.
Protein change: p.Ser1318=; no amino-acid change (serine 1318 retained).
Molecular consequence: synonymous variant.
Genome position (GRCh38, 1-based): chr22:37,733,304, C>T. VCF-style: chr22-37733304-C-T. GRCh37 (hg19) VCF-style: chr22-38129311-C-T.
Identifiers: ClinVar variation 504891 (VCV000504891.17), dbSNP rs200990219, ClinGen allele CA10224272.
Genomic context (GRCh38, chr22:37,733,304, plus strand): 5'-TGGGGTGCTGGGAGTGGGACAGTCCCTCAGAGGAGTGGCTGCATTTGCTCATAGGAAGTC[C>T]GAGGCAGCGGGGGCCTTCCAGGCCCAGGACGAGGGACGGTCACAGCAGCCCAGCCAAGGC-3'
Protein context (NP_001034230.1, residues 1308-1328): ERLFGQERRK[Ser1318=]EAAGAFQAQD

ClinVar aggregate classification (germline): Benign/Likely benign. Review status: criteria provided, multiple submitters, no conflicts (2 of 4 stars). 4 submissions from 4 submitters: Benign (1); Likely benign (3). Last evaluated 2025-12-29.

Allele frequency attached by ClinVar (database versions not stated): ESP Exome Variant Server 0.00104; 1000 Genomes Project 30x 0.00125; gnomAD 0.00148 and 0.00157; gnomAD exomes 0.00018 and 0.00039; ExAC 0.00057; TOPMed 0.00180; 1000 Genomes Project 0.00200.
gnomAD v4.1: 474 of 1,550,562 alleles (0.031%); highest among the groups gnomAD compares: African/African-American, 0.55%; 2 homozygotes.

Submissions (4):

Labcorp Genetics (formerly Invitae), Labcorp
Classification: Benign. Last evaluated: 2025-12-29. Review status: criteria provided, single submitter. Criteria: Invitae Variant Classification Sherloc (09022015). Collection method: clinical testing. Allele origin: germline.

Blueprint Genetics
Classification: Likely benign. Last evaluated: 2024-09-16. Review status: criteria provided, single submitter. Criteria: ACMG Guidelines, 2015. Collection method: clinical testing. Allele origin: germline.

GeneDx
Classification: Likely benign. Last evaluated: 2021-06-16. Review status: criteria provided, single submitter. Criteria: GeneDx Variant Classification Process June 2021. Collection method: clinical testing. Allele origin: germline. Affected: yes.

Laboratory for Molecular Medicine, Mass General Brigham Personalized Medicine
Classification: Likely benign. Last evaluated: 2016-04-08. Review status: criteria provided, single submitter. Criteria: LMM Criteria. Collection method: clinical testing. Allele origin: germline. Observed: 1 variant allele.
Comment: p.Ser1318Ser in exon 8 of TRIOBP: This variant is not expected to have clinical significance because it does not alter an amino acid residue, it is not located within the splice consensus sequence, and it has been identified in 0.6% (10/160 8) of African chromosomes by the Exome Aggregation Consortium (ExAC .; dbSNP rs200990219).